The following is an entry in ClinVar:

NM_001145809.2(MYH14):c.4921C>T (p.Arg1641Cys)

Gene: MYH14 (myosin heavy chain 14; plus strand). Cytogenetic location: 19q13.33.
Variant type: single nucleotide variant.
Coding change: c.4921C>T on transcript NM_001145809.2 (MANE Select); coding-DNA position 4921, C replaced by T.
Protein change: p.Arg1641Cys; replaces arginine 1641 with cysteine.
Molecular consequence: missense variant.
Genome position (GRCh38, 1-based): chr19:50,289,604, C>T. VCF-style: chr19-50289604-C-T. GRCh37 (hg19) VCF-style: chr19-50792861-C-T.
Other names: c.4822C>T, p.Arg1608Cys (NM_001077186.2); c.4798C>T, p.Arg1600Cys (NM_024729.4); c.4798C>T (NM_024729.3); short protein forms R1641C, R1600C, R1608C.
Identifiers: ClinVar variation 439932 (VCV000439932.11), dbSNP rs748898201, ClinGen allele CA9593634.

ClinVar aggregate classification (germline): Uncertain significance. Review status: criteria provided, multiple submitters, no conflicts (2 of 4 stars). 3 submissions from 3 submitters: Uncertain significance (3). Last evaluated 2025-02-12.

Conditions:
Inborn genetic diseases. Identifiers: MedGen C0950123, MeSH D030342.

Allele frequency attached by ClinVar (database versions not stated): gnomAD 0.00001; TOPMed 0.00001; gnomAD exomes 0.00002; ExAC 0.00002.
gnomAD v4.1: 17 of 1,612,374 alleles (0.0011%); highest among the groups gnomAD compares: East Asian, 0.0067%; no homozygotes.

Submissions (3):

Ambry Genetics
Classification: Uncertain significance for Inborn genetic diseases. Last evaluated: 2025-02-12. Review status: criteria provided, single submitter. Criteria: Ambry Variant Classification Scheme 2023. Collection method: clinical testing. Allele origin: germline.

GeneDx
Classification: Uncertain significance. Last evaluated: 2024-07-26. Review status: criteria provided, single submitter. Criteria: GeneDx Variant Classification Process June 2021. Collection method: clinical testing. Allele origin: germline. Affected: yes.
Comment: In silico analysis supports that this missense variant has a deleterious effect on protein structure/function; Has not been previously published as pathogenic or benign to our knowledge

ARUP Laboratories, Molecular Genetics and Genomics, ARUP Laboratories
Classification: Uncertain significance. Last evaluated: 2016-08-29. Review status: criteria provided, single submitter. Criteria: ARUP Molecular Germline Variant Investigation Process. Collection method: clinical testing. Allele origin: germline.